The following is an entry in ClinVar:

NM_001365902.3(NFIX):c.1081A>G (p.Ser361Gly)

Gene: NFIX (nuclear factor I X; plus strand). Cytogenetic location: 19p13.13.
Variant type: single nucleotide variant.
Coding change: c.1081A>G on transcript NM_001365902.3 (MANE Select); coding-DNA position 1081, A replaced by G.
Protein change: p.Ser361Gly; replaces serine 361 with glycine.
Molecular consequence: missense variant.
Genome position (GRCh38, 1-based): chr19:13,081,682, A>G. VCF-style: chr19-13081682-A-G. GRCh37 (hg19) VCF-style: chr19-13192496-A-G.
Other names: c.1105A>G, p.Ser369Gly (NM_001271043.2); c.1057A>G, p.Ser353Gly (NM_001271044.3, NM_001378404.1); c.958A>G, p.Ser320Gly (NM_001365982.2); c.940A>G, p.Ser314Gly (NM_001365983.2); c.1078A>G, p.Ser360Gly (NM_001365984.2, NM_001365985.2); c.1129A>G, p.Ser377Gly (NM_001378405.1); c.1081A>G, p.Ser361Gly (NM_002501.4); short protein forms S314G, S320G, S353G, S360G, S361G, S369G, S377G.
Identifiers: ClinVar variation 2500469 (VCV002500469.1), dbSNP rs2512977787, ClinGen allele CA404303504.

ClinVar aggregate classification (germline): Uncertain significance (1 of 4 stars; one submission).

Submission:

GeneDx
Classification: Uncertain significance. Last evaluated: 2022-10-31. Review status: criteria provided, single submitter. Criteria: GeneDx Variant Classification Process June 2021. Collection method: clinical testing. Allele origin: germline. Affected: yes.
Comment: Not observed at significant frequency in large population cohorts (gnomAD); In silico analysis supports that this missense variant does not alter protein structure/function; Has not been previously published as pathogenic or benign to our knowledge; This variant is associated with the following publications: (PMID: 22982744)